The following is an entry in ClinVar:

NM_004304.5(ALK):c.4178_4181dup (p.Thr1395fs)

Gene: ALK (ALK receptor tyrosine kinase; minus strand). Cytogenetic location: 2p23.2.
Variant type: Duplication.
Coding change: c.4178_4181dup on transcript NM_004304.5 (MANE Select); coding-DNA positions 4178 to 4181, 4 bases duplicated (TCAA; older notation c.4178_4181dupTCAA).
Protein change: p.Thr1395fs; shifts the reading frame from threonine 1395.
Molecular consequence: frameshift variant.
Genome position (GRCh38, 1-based): chr2:29,193,906-29,193,909, TTGA duplicated on the plus strand (TCAA on the coding strand, the reverse complement: ALK is on the minus strand); duplicating any 4 consecutive bases within chr2:29,193,906-29,193,911 gives the same sequence; the c. name uses the placement nearest the transcript's 3' end. VCF-style (leftmost placement, unchanged base first): chr2-29193905-G-GTTGA. GRCh37 (hg19) VCF-style: chr2-29416771-G-GTTGA.
Other names: c.974_977dup, p.Thr327fs (NM_001353765.2); short protein forms T1395fs, T327fs.
Identifiers: ClinVar variation 4040709 (VCV004040709.2).

ClinVar aggregate classification (germline): Uncertain significance (1 of 4 stars; one submission).

Conditions:
Hereditary cancer-predisposing syndrome. Also called: Neoplastic Syndromes, Hereditary; Tumor predisposition; Hereditary Cancer Syndrome; Hereditary neoplastic syndrome. Identifiers: Orphanet 140162, MedGen C0027672, MeSH D009386, MONDO:0015356.

Submission:

Ambry Genetics
Classification: Uncertain significance for Hereditary cancer-predisposing syndrome. Last evaluated: 2026-07-30. Review status: criteria provided, single submitter. Criteria: Ambry Variant Classification Scheme 2023. Collection method: clinical testing. Allele origin: germline.
Comment: The c.4178_4181dupTCAA variant, located in coding exon 29 of the ALK gene, results from a duplication of TCAA at nucleotide position 4178, causing a translational frameshift with a predicted alternate stop codon (p.T1395Qfs*26). This variant occurs at the 3' terminus of the gene and is not expected to trigger nonsense-mediated mRNA decay. Based on the available evidence, the clinical significance of this variant remains unclear.